The following is an entry in ClinVar:

ClinVar aggregate classification (germline): Conflicting classifications of pathogenicity. Review status: criteria provided, conflicting classifications (1 of 4 stars). 4 submissions from 4 submitters: Uncertain significance (1); Likely benign (2). 1 of the submissions does not count toward it. Last evaluated 2025-11-01.

Conditions:
Oculofaciocardiodental syndrome (MCOPS2). Identifiers: Orphanet 2712, MedGen C1846265, MONDO:0010261, OMIM 300166.
BCOR-related disorder. Also called: BCOR-related condition; BCOR-related disorders.

Allele frequency attached by ClinVar (database versions not stated): gnomAD 0.00005; ExAC 0.00006; TOPMed 0.00008; gnomAD exomes 0.00018.
gnomAD v4.1: 207 of 1,209,198 alleles (0.017%); highest among the groups gnomAD compares: Non-Finnish European, 0.021%; no homozygotes.

Submissions (4):

CeGaT Center for Human Genetics Tuebingen
Classification: Likely benign. Last evaluated: 2025-11-01. Review status: criteria provided, single submitter. Criteria: CeGaT Center For Human Genetics Tuebingen Variant Classification Criteria Version 2. Collection method: clinical testing. Allele origin: germline. Affected: yes. Observed: 2 variant alleles.
Comment: BCOR: BP4, BS2

Labcorp Genetics (formerly Invitae), Labcorp
Classification: Uncertain significance for Oculofaciocardiodental syndrome. Last evaluated: 2025-01-21. Review status: criteria provided, single submitter. Criteria: Invitae Variant Classification Sherloc (09022015). Collection method: clinical testing. Allele origin: germline.
Comment: This sequence change replaces aspartic acid, which is acidic and polar, with asparagine, which is neutral and polar, at codon 1597 of the BCOR protein (p.Asp1597Asn). This variant is present in population databases (rs769982436, gnomAD 0.01%). This variant has not been reported in the literature in individuals affected with BCOR-related conditions. ClinVar contains an entry for this variant (Variation ID: 3031991). An algorithm developed to predict the effect of missense changes on protein structure and function (PolyPhen-2) suggests that this variant is likely to be disruptive. In summary, the available evidence is currently insufficient to determine the role of this variant in disease. Therefore, it has been classified as a Variant of Uncertain Significance.

Blueprint Genetics
Classification: Likely benign. Last evaluated: 2024-02-27. Review status: criteria provided, single submitter. Criteria: ACMG Guidelines, 2015. Collection method: clinical testing. Allele origin: germline.

PreventionGenetics, part of Exact Sciences
Classification: Likely benign for BCOR-related condition. Last evaluated: 2023-12-21. Review status: no assertion criteria provided. Collection method: clinical testing. Allele origin: germline. Not counted in ClinVar's aggregate classification.
Comment: This variant is classified as likely benign based on ACMG/AMP sequence variant interpretation guidelines (Richards et al. 2015 PMID: 25741868, with internal and published modifications).

NM_001123385.2(BCOR):c.4891G>A (p.Asp1631Asn)

Gene: BCOR (BCL6 corepressor; minus strand). Cytogenetic location: Xp11.4.
Variant type: single nucleotide variant.
Coding change: c.4891G>A on transcript NM_001123385.2 (MANE Select); coding-DNA position 4891, G replaced by A.
Protein change: p.Asp1631Asn; replaces aspartic acid 1631 with asparagine.
Molecular consequence: missense variant.
Genome position (GRCh38, 1-based): chrX:40,053,971, C>T on the plus strand (G>A on the coding strand, the complement: BCOR is on the minus strand). VCF-style: chrX-40053971-C-T. GRCh37 (hg19) VCF-style: chrX-39913224-C-T.
Other names: c.4789G>A, p.Asp1597Asn (NM_001123383.2, NM_017745.6); c.4735G>A, p.Asp1579Asn (NM_001123384.2); short protein forms D1579N, D1597N, D1631N.
Identifiers: ClinVar variation 3031991 (VCV003031991.12), dbSNP rs769982436, ClinGen allele CA10386354.